The following is an entry in ClinVar:

ClinVar aggregate classification (germline): Benign. Review status: criteria provided, multiple submitters, no conflicts (2 of 4 stars). 5 submissions from 5 submitters: Benign (5). Last evaluated 2026-02-02.

Allele frequency attached by ClinVar (database versions not stated): 1000 Genomes Project 0.02196; 1000 Genomes Project 30x 0.02233; gnomAD 0.04501; TOPMed 0.04749; ExAC 0.04806; ESP Exome Variant Server 0.05096.
gnomAD v4.1: 96,973 of 1,599,962 alleles (6.1%); highest among the groups gnomAD compares: Non-Finnish European, 6.9%; 3,360 homozygotes.

Submissions (7):

Labcorp Genetics (formerly Invitae), Labcorp
Classification: Benign. Last evaluated: 2026-02-02. Review status: criteria provided, single submitter. Criteria: Invitae Variant Classification Sherloc (09022015). Collection method: clinical testing. Allele origin: germline.

Blueprint Genetics
Classification: Benign. Last evaluated: 2024-11-27. Review status: criteria provided, single submitter. Criteria: ACMG Guidelines, 2015. Collection method: clinical testing. Allele origin: germline.

Mayo Clinic Laboratories, Mayo Clinic
Classification: Benign. Last evaluated: 2023-03-23. Review status: criteria provided, single submitter. Criteria: ACMG Guidelines, 2015. Collection method: clinical testing. Allele origin: germline. Observed: 14 variant alleles.
Comment: BA1, BS2

GeneDx
Classification: Benign. Last evaluated: 2019-02-11. Review status: criteria provided, single submitter. Criteria: GeneDx Variant Classification Process June 2021. Collection method: clinical testing. Allele origin: germline. Affected: yes.
Comment: This variant is associated with the following publications: (PMID: 25525159, 19901951)

Breakthrough Genomics
Classification: Benign. Review status: criteria provided, single submitter. Criteria: ACMG Guidelines, 2015. Collection method: not provided. Allele origin: germline. Inheritance: Autosomal recessive inheritance. Affected: yes.

Dr. Peter K. Rogan Lab, Western University
No classification provided (evidence only). Condition: Lymphoma. Review status: no classification provided. Collection method: in vitro. Allele origin: not applicable. Functional consequence: retained intron. Not counted in ClinVar's aggregate classification.

Dr. Peter K. Rogan Lab, Western University
No classification provided (evidence only). Condition: Lymphoma. Review status: no classification provided. Collection method: in vitro. Allele origin: not applicable. Functional consequence: skipped exon, retained intron. Not counted in ClinVar's aggregate classification.

Literature cited by the submitters: PubMed 19901951 (cited by Mayo Clinic Laboratories, Mayo Clinic); PubMed 25525159 (cited by Mayo Clinic Laboratories, Mayo Clinic); PubMed 34539327 (cited by Mayo Clinic Laboratories, Mayo Clinic).

NM_130810.4(DNAAF4):c.271G>A (p.Val91Ile)

Genes: DNAAF4 (dynein axonemal assembly factor 4; minus strand), DNAAF4-CCPG1 (DNAAF4-CCPG1 readthrough (NMD candidate); minus strand). Cytogenetic location: 15q21.3.
Variant type: single nucleotide variant.
Coding change: c.271G>A on transcript NM_130810.4 (MANE Select); coding-DNA position 271, G replaced by A.
Protein change: p.Val91Ile; replaces valine 91 with isoleucine.
Molecular consequence: missense variant. On other transcripts: non-coding transcript variant (1).
Genome position (GRCh38, 1-based): chr15:55,497,712, C>T on the plus strand (G>A on the coding strand, the complement: DNAAF4 is on the minus strand). VCF-style: chr15-55497712-C-T. GRCh37 (hg19) VCF-style: chr15-55789910-C-T.
Other names: p.Val91Ile; c.271G>A, p.Val91Ile (NM_001033559.3, NM_001033560.2); short protein forms V91I.
Identifiers: ClinVar variation 416509 (VCV000416509.16), dbSNP rs17819126, ClinGen allele CA7575091.